The following is an entry in ClinVar:

ClinVar aggregate classification (germline): Uncertain significance. Review status: criteria provided, multiple submitters, no conflicts (2 of 4 stars). 2 submissions from 2 submitters: Uncertain significance (2). Last evaluated 2026-01-09.

Conditions:
Inborn genetic diseases. Identifiers: MedGen C0950123, MeSH D030342.

gnomAD v4.1: 1 of 1,209,946 alleles (0.000083%); highest among the groups gnomAD compares: Non-Finnish European, 0.00011%; no homozygotes.

Submissions (2):

Ambry Genetics
Classification: Uncertain significance for Inborn genetic diseases. Last evaluated: 2026-01-09. Review status: criteria provided, single submitter. Criteria: Ambry Variant Classification Scheme 2023. Collection method: clinical testing. Allele origin: germline.

Labcorp Genetics (formerly Invitae), Labcorp
Classification: Uncertain significance. Last evaluated: 2024-11-19. Review status: criteria provided, single submitter. Criteria: Invitae Variant Classification Sherloc (09022015). Collection method: clinical testing. Allele origin: germline.
Comment: This sequence change replaces glutamic acid, which is acidic and polar, with glutamine, which is neutral and polar, at codon 248 of the POLA1 protein (p.Glu248Gln). This variant is not present in population databases (gnomAD no frequency). This variant has not been reported in the literature in individuals affected with POLA1-related conditions. Invitae Evidence Modeling of protein sequence and biophysical properties (such as structural, functional, and spatial information, amino acid conservation, physicochemical variation, residue mobility, and thermodynamic stability) indicates that this missense variant is not expected to disrupt POLA1 protein function with a negative predictive value of 80%. In summary, the available evidence is currently insufficient to determine the role of this variant in disease. Therefore, it has been classified as a Variant of Uncertain Significance.

NM_001330360.2(POLA1):c.760G>C (p.Glu254Gln)

Gene: POLA1 (DNA polymerase alpha 1, catalytic subunit; plus strand). Cytogenetic location: Xp22.11.
Variant type: single nucleotide variant.
Coding change: c.760G>C on transcript NM_001330360.2 (MANE Select); coding-DNA position 760, G replaced by C.
Protein change: p.Glu254Gln; replaces glutamic acid 254 with glutamine.
Molecular consequence: missense variant. On other transcripts: non-coding transcript variant (2).
Genome position (GRCh38, 1-based): chrX:24,717,343, G>C. VCF-style: chrX-24717343-G-C. GRCh37 (hg19) VCF-style: chrX-24735460-G-C.
Other names: c.742G>C (NM_016937.3); c.760G>C, p.Glu254Gln (NM_001378303.1); c.742G>C, p.Glu248Gln (NM_016937.4); short protein forms E248Q, E254Q.
Identifiers: ClinVar variation 3685303 (VCV003685303.3).